The following is an entry in ClinVar:

ClinVar aggregate classification (germline): Uncertain significance (1 of 4 stars; one submission).

Submission:

GeneDx
Classification: Uncertain significance. Last evaluated: 2026-07-12. Review status: criteria provided, single submitter. Criteria: GeneDx Variant Classification Process June 2021. Collection method: clinical testing. Allele origin: germline.
Comment: In-frame deletion of 4 amino acid(s) in a non-repeat region; Not observed at significant frequency in large population cohorts (gnomAD); In silico analysis supports a deleterious effect on protein structure/function; Has not been previously published as pathogenic or benign to our knowledge

NM_138927.4(SON):c.5896_5907del (p.Thr1966_Arg1969del)

Gene: SON (SON DNA and RNA binding protein; plus strand). Cytogenetic location: 21q22.11.
Variant type: Deletion.
Coding change: c.5896_5907del on transcript NM_138927.4 (MANE Select); coding-DNA positions 5896 to 5907, 12 bases deleted (ACCCCCAGCCGC).
Protein change: p.Thr1966_Arg1969del.
Molecular consequence: inframe deletion. On other transcripts: non-coding transcript variant (1), intron variant (1).
Genome position (GRCh38, 1-based): chr21:33,555,127-33,555,138, ACCCCCAGCCGC deleted; deleting any 12 consecutive bases within chr21:33,555,120-33,555,138 gives the same sequence; the c. name uses the placement nearest the transcript's 3' end. VCF-style (leftmost placement, unchanged base first): chr21-33555119-GCAGCCGCACCCC-G. GRCh37 (hg19) VCF-style: chr21-34927425-GCAGCCGCACCCC-G.
Other names: c.5896_5907del, p.Thr1966_Arg1969del (NM_001291411.2, NM_032195.3); c.245-2029_245-2018del (NM_001291412.3).
Identifiers: ClinVar variation 4680951 (VCV004680951.2).